The following is an entry in ClinVar:

NR_003051.3(RMRP):n.-9_-8insACTCTGTGAAGCTACTCTGTGAAGCTACTCTGTGAAGCTACTCTGTGAAGCTACTCTGTGAAGCT

Gene: RMRP (RNA component of mitochondrial RNA processing endoribonuclease; minus strand). Cytogenetic location: 9p13.3.
Variant type: Microsatellite.
Genome position: GRCh38, VCF-style position (the base before the change): chr9:35,658,026. GRCh37 (hg19), VCF-style position (the base before the change): chr9:35,658,023.
Identifiers: ClinVar variation 4817200 (VCV004817200.1).

ClinVar aggregate classification (germline): Likely pathogenic (1 of 4 stars; one submission).

Conditions:
Metaphyseal chondrodysplasia, McKusick type (CHH). Also called: Cartilage-hair hypoplasia; Cartilage-Hair Hypoplasia (CHH). Identifiers: Orphanet 175, MedGen C0220748, MONDO:0009595, OMIM 250250.

Submission:

Natera, Inc.
Classification: Likely pathogenic for Cartilage-hair hypoplasia. Last evaluated: 2024-08-07. Review status: criteria provided, single submitter. Criteria: Natera Variant Classification Schema (03/2026). Collection method: clinical testing. Allele origin: germline.
Comment: The n.-9_-8insACTCTGTGAAGCTACTCTGTGAAGCTACTCTGTGAAGCTACTCTGTGAAGCTACTCTGTGAAGCT variant in RMRP is an insertion affecting the RMRP promoter region between the TATA box and the transcription initiation site. Other duplications and insertions just upstream of the transcription initiation site have been reported in individuals affected with cartilage-hair hypoplasia (PMID: 11207361, 17937437). This variant is rare in the general population with a frequency below the threshold expected for the associated phenotype(s). Given the available evidence, this variant is classified as Likely pathogenic.

Literature cited by the submitters: PubMed 11207361; PubMed 17937437.